The following is an entry in ClinVar:

ClinVar aggregate classification (germline): Likely benign (1 of 4 stars; one submission).

Submission:

CeGaT Center for Human Genetics Tuebingen
Classification: Likely benign. Last evaluated: 2025-07-01. Review status: criteria provided, single submitter. Criteria: CeGaT Center For Human Genetics Tuebingen Variant Classification Criteria Version 2. Collection method: clinical testing. Allele origin: germline. Affected: yes. Observed: 1 variant allele.
Comment: FCGR1BP: PM2:Supporting, BP4, BP7

NR_045213.2(FCGR1B):n.1001A>G

Gene: LOC100996318 (uncharacterized LOC100996318; minus strand). Cytogenetic location: 1p11.2.
Variant type: single nucleotide variant.
Molecular consequence: non-coding transcript variant (on NR_045213.2).
Genome position: GRCh38 VCF-style: chr1-121095975-A-G. GRCh37 (hg19) VCF-style: chr1-120927314-T-C.
Identifiers: ClinVar variation 4085635 (VCV004085635.8).